The following is an entry in ClinVar:

ClinVar aggregate classification (germline): Likely benign. Review status: criteria provided, multiple submitters, no conflicts (2 of 4 stars). 2 submissions from 2 submitters: Likely benign (2). Last evaluated 2025-10-22.

Conditions:
Kabuki syndrome. Also called: NIIKAWA-KUROKI SYNDROME; Kabuki make-up syndrome. Identifiers: Orphanet 2322, MedGen C0796004, MONDO:0016512.

Allele frequency attached by ClinVar (database versions not stated): ESP Exome Variant Server 0.00008.
gnomAD v4.1: 23 of 1,611,604 alleles (0.0014%); highest among the groups gnomAD compares: South Asian, 0.0033%; no homozygotes.

Submissions (2):

Labcorp Genetics (formerly Invitae), Labcorp
Classification: Likely benign for Kabuki syndrome. Last evaluated: 2025-10-22. Review status: criteria provided, single submitter. Criteria: Invitae Variant Classification Sherloc (09022015). Collection method: clinical testing. Allele origin: germline.

CeGaT Center for Human Genetics Tuebingen
Classification: Likely benign. Last evaluated: 2022-06-01. Review status: criteria provided, single submitter. Criteria: CeGaT Center For Human Genetics Tuebingen Variant Classification Criteria Version 2. Collection method: clinical testing. Allele origin: germline. Affected: yes. Observed: 1 variant allele.
Comment: KMT2D: BP4, BP7

NM_003482.4(KMT2D):c.10944G>A (p.Pro3648=)

Gene: KMT2D (lysine methyltransferase 2D; minus strand). Cytogenetic location: 12q13.12.
Variant type: single nucleotide variant.
Coding change: c.10944G>A on transcript NM_003482.4 (MANE Select); coding-DNA position 10944, G replaced by A.
Protein change: p.Pro3648=; no amino-acid change (proline 3648 retained).
Molecular consequence: synonymous variant.
Genome position (GRCh38, 1-based): chr12:49,033,761, C>T on the plus strand (G>A on the coding strand, the complement: KMT2D is on the minus strand). VCF-style: chr12-49033761-C-T. GRCh37 (hg19) VCF-style: chr12-49427544-C-T.
Identifiers: ClinVar variation 2159065 (VCV002159065.28), dbSNP rs375785266, ClinGen allele CA6546396.